The following is an entry in ClinVar:

ClinVar aggregate classification (germline): Uncertain significance (1 of 4 stars; one submission).

Allele frequency attached by ClinVar (database versions not stated): gnomAD 0.00001.
gnomAD v4.1: 1 of 1,500,058 alleles (0.000067%); highest among the groups gnomAD compares: Non-Finnish European, 0.000089%; no homozygotes.

Submission:

Labcorp Genetics (formerly Invitae), Labcorp
Classification: Uncertain significance. Last evaluated: 2022-08-23. Review status: criteria provided, single submitter. Criteria: Invitae Variant Classification Sherloc (09022015). Collection method: clinical testing. Allele origin: germline.
Comment: This sequence change replaces proline, which is neutral and non-polar, with serine, which is neutral and polar, at codon 630 of the RASGRP1 protein (p.Pro630Ser). This variant is present in population databases (no rsID available, gnomAD 0.007%). This variant has not been reported in the literature in individuals affected with RASGRP1-related conditions. Algorithms developed to predict the effect of missense changes on protein structure and function output the following: SIFT: "Tolerated"; PolyPhen-2: "Benign"; Align-GVGD: "Class C0". The serine amino acid residue is found in multiple mammalian species, which suggests that this missense change does not adversely affect protein function. In summary, the available evidence is currently insufficient to determine the role of this variant in disease. Therefore, it has been classified as a Variant of Uncertain Significance.

NM_005739.4(RASGRP1):c.1888C>T (p.Pro630Ser)

Gene: RASGRP1 (RAS guanyl releasing protein 1; minus strand). Cytogenetic location: 15q14.
Variant type: single nucleotide variant.
Coding change: c.1888C>T on transcript NM_005739.4 (MANE Select); coding-DNA position 1888, C replaced by T.
Protein change: p.Pro630Ser; replaces proline 630 with serine.
Molecular consequence: missense variant. On other transcripts: intron variant (1).
Genome position (GRCh38, 1-based): chr15:38,494,753, G>A on the plus strand (C>T on the coding strand, the complement: RASGRP1 is on the minus strand). VCF-style: chr15-38494753-G-A. GRCh37 (hg19) VCF-style: chr15-38786954-G-A.
Other names: c.1783C>T, p.Pro595Ser (NM_001128602.2); c.1768+4041C>T (NM_001306086.2); short protein forms P630S, P595S.
Identifiers: ClinVar variation 1978207 (VCV001978207.3), dbSNP rs762256928, ClinGen allele CA391662487.